The following is an entry in ClinVar:

NM_025219.3(DNAJC5):c.87T>G (p.Asp29Glu)

Gene: DNAJC5 (DnaJ heat shock protein family (Hsp40) member C5; plus strand). Cytogenetic location: 20q13.33.
Variant type: single nucleotide variant.
Coding change: c.87T>G on transcript NM_025219.3 (MANE Select); coding-DNA position 87, T replaced by G.
Protein change: p.Asp29Glu; replaces aspartic acid 29 with glutamic acid.
Molecular consequence: missense variant.
Genome position (GRCh38, 1-based): chr20:63,928,432, T>G. VCF-style: chr20-63928432-T-G. GRCh37 (hg19) VCF-style: chr20-62559785-T-G.
Other names: short protein forms D29E.
Identifiers: ClinVar variation 1516192 (VCV001516192.6), dbSNP rs1555879894, ClinGen allele CA409715554.

ClinVar aggregate classification (germline): Uncertain significance (1 of 4 stars; one submission).

Conditions:
Neuronal ceroid lipofuscinosis. Also called: Neuronal Ceroid Lipofuscinoses. Identifiers: Orphanet 216, Orphanet 79263, MedGen C0027877, MONDO:0016295. Disease mechanism: loss of function.

Submission:

Labcorp Genetics (formerly Invitae), Labcorp
Classification: Uncertain significance for Neuronal ceroid lipofuscinosis. Last evaluated: 2021-09-15. Review status: criteria provided, single submitter. Criteria: Invitae Variant Classification Sherloc (09022015). Collection method: clinical testing. Allele origin: germline.
Comment: This variant is not present in population databases (ExAC no frequency). Algorithms developed to predict the effect of missense changes on protein structure and function (SIFT, PolyPhen-2, Align-GVGD) all suggest that this variant is likely to be tolerated. This variant has not been reported in the literature in individuals affected with DNAJC5-related conditions. This sequence change replaces aspartic acid with glutamic acid at codon 29 of the DNAJC5 protein (p.Asp29Glu). The aspartic acid residue is highly conserved and there is a small physicochemical difference between aspartic acid and glutamic acid. In summary, the available evidence is currently insufficient to determine the role of this variant in disease. Therefore, it has been classified as a Variant of Uncertain Significance.